The following is an entry in ClinVar:

ClinVar aggregate classification (germline): Uncertain significance (1 of 4 stars; one submission).

Conditions:
Cystic fibrosis (CF). Also called: MUCOVISCIDOSIS. Identifiers: Orphanet 586, MedGen C0010674, MONDO:0009061, OMIM 219700. Disease mechanism: loss of function.

Allele frequency attached by ClinVar (database versions not stated): TOPMed below 0.00001.

Submission:

Ambry Genetics
Classification: Uncertain significance for Cystic fibrosis. Last evaluated: 2024-09-26. Review status: criteria provided, single submitter. Criteria: Ambry Variant Classification Scheme 2023. Collection method: clinical testing. Allele origin: germline.
Comment: The p.C1395R variant (also known as c.4183T>C), located in coding exon 26 of the CFTR gene, results from a T to C substitution at nucleotide position 4183. The cysteine at codon 1395 is replaced by arginine, an amino acid with highly dissimilar properties. This amino acid position is conserved. In addition, this alteration is predicted to be deleterious by in silico analysis. Since supporting evidence is limited at this time, the clinical significance of this alteration remains unclear.

NM_000492.4(CFTR):c.4183T>C (p.Cys1395Arg)

Gene: CFTR (CF transmembrane conductance regulator; plus strand). Cytogenetic location: 7q31.2.
Variant type: single nucleotide variant.
Coding change: c.4183T>C on transcript NM_000492.4 (MANE Select); coding-DNA position 4183, T replaced by C.
Protein change: p.Cys1395Arg; replaces cysteine 1395 with arginine.
Molecular consequence: missense variant.
Genome position (GRCh38, 1-based): chr7:117,665,505, T>C. VCF-style: chr7-117665505-T-C. GRCh37 (hg19) VCF-style: chr7-117305559-T-C.
Other names: short protein forms C1395R.
Identifiers: ClinVar variation 1738519 (VCV001738519.3), dbSNP rs1793358994, ClinGen allele CA368983550.